The following is an entry in ClinVar:

ClinVar aggregate classification (germline): Uncertain significance (1 of 4 stars; one submission).

gnomAD v4.1: 9 of 1,578,304 alleles (0.00057%); highest among the groups gnomAD compares: Non-Finnish European, 0.0007%; no homozygotes.

Submission:

Labcorp Genetics (formerly Invitae), Labcorp
Classification: Uncertain significance. Last evaluated: 2022-02-24. Review status: criteria provided, single submitter. Criteria: Invitae Variant Classification Sherloc (09022015). Collection method: clinical testing. Allele origin: germline.
Comment: This sequence change falls in intron 10 of the NFKB1 gene. It does not directly change the encoded amino acid sequence of the NFKB1 protein. It affects a nucleotide within the consensus splice site. This variant is not present in population databases (gnomAD no frequency). This variant has not been reported in the literature in individuals affected with NFKB1-related conditions. Variants that disrupt the consensus splice site are a relatively common cause of aberrant splicing (PMID: 17576681, 9536098). Algorithms developed to predict the effect of sequence changes on RNA splicing suggest that this variant is not likely to affect RNA splicing. In summary, the available evidence is currently insufficient to determine the role of this variant in disease. Therefore, it has been classified as a Variant of Uncertain Significance.

Literature cited by the submitters: PubMed 17576681; PubMed 9536098.

NM_003998.4(NFKB1):c.927+5G>A

Gene: NFKB1 (nuclear factor kappa B subunit 1; plus strand). Cytogenetic location: 4q24.
Variant type: single nucleotide variant.
Coding change: c.927+5G>A on transcript NM_003998.4 (MANE Select); 5 bases into the intron after coding-DNA position 927, G replaced by A.
Molecular consequence: intron variant.
Genome position (GRCh38, 1-based): chr4:102,582,962, G>A. VCF-style: chr4-102582962-G-A. GRCh37 (hg19) VCF-style: chr4-103504119-G-A.
Other names: c.927+5G>A (NM_001382626.1, NM_001382625.1); c.924+5G>A (NM_001382627.1, NM_001165412.2, NM_001319226.2); c.885+5G>A (NM_001382628.1).
Identifiers: ClinVar variation 1463332 (VCV001463332.6), dbSNP rs2149190208, ClinGen allele CA2573137882.
Genomic context (GRCh38, chr4:102,582,962, plus strand): 5'-ATGGTGGAGTCTGGGAAGGATTTGGAGATTTTTCCCCCACAGATGTTCATAGACAAGTAA[G>A]TGATTTATTATTATTATTAATCCTTATTATTTTTAGAGATGGGATCTCACTCTGACACCC-3'